The following is an entry in ClinVar:

ClinVar aggregate classification (germline): Uncertain significance (1 of 4 stars; one submission).

Submission:

Labcorp Genetics (formerly Invitae), Labcorp
Classification: Uncertain significance. Last evaluated: 2022-05-08. Review status: criteria provided, single submitter. Criteria: Invitae Variant Classification Sherloc (09022015). Collection method: clinical testing. Allele origin: germline.
Comment: This variant is not present in population databases (gnomAD no frequency). This variant has not been reported in the literature in individuals affected with TERF2IP-related conditions. Algorithms developed to predict the effect of missense changes on protein structure and function (SIFT, PolyPhen-2, Align-GVGD) all suggest that this variant is likely to be tolerated. In summary, the available evidence is currently insufficient to determine the role of this variant in disease. Therefore, it has been classified as a Variant of Uncertain Significance. This sequence change replaces glutamine, which is neutral and polar, with histidine, which is basic and polar, at codon 354 of the TERF2IP protein (p.Gln354His).

NM_018975.4(TERF2IP):c.1062G>C (p.Gln354His)

Gene: TERF2IP (TERF2 interacting protein; plus strand). Cytogenetic location: 16q23.1.
Variant type: single nucleotide variant.
Coding change: c.1062G>C on transcript NM_018975.4 (MANE Select); coding-DNA position 1062, G replaced by C.
Protein change: p.Gln354His; replaces glutamine 354 with histidine.
Molecular consequence: missense variant. On other transcripts: non-coding transcript variant (1).
Genome position (GRCh38, 1-based): chr16:75,656,473, G>C. VCF-style: chr16-75656473-G-C. GRCh37 (hg19) VCF-style: chr16-75690371-G-C.
Other names: short protein forms Q354H.
Identifiers: ClinVar variation 2135402 (VCV002135402.4), dbSNP rs760209349, ClinGen allele CA396820179.